The following is an entry in ClinVar:

ClinVar aggregate classification (germline): Uncertain significance (1 of 4 stars; one submission).

Conditions:
Hereditary cancer-predisposing syndrome. Also called: Tumor predisposition; Neoplastic Syndromes, Hereditary; Hereditary neoplastic syndrome; Hereditary Cancer Syndrome. Identifiers: Orphanet 140162, MedGen C0027672, MeSH D009386, MONDO:0015356.

Submission:

Ambry Genetics
Classification: Uncertain significance for Hereditary cancer-predisposing syndrome. Last evaluated: 2024-11-18. Review status: criteria provided, single submitter. Criteria: Ambry Variant Classification Scheme 2023. Collection method: clinical testing. Allele origin: germline.
Comment: The c.2865dupA variant, located in coding exon 25 of the TSC2 gene, results from a duplication of A at nucleotide position 2865, causing a translational frameshift with a predicted alternate stop codon (p.G956Rfs*4). This alteration is expected to result in loss of function by premature protein truncation or nonsense-mediated mRNA decay. However, this variant occurs in an exon that is absent in biologically relevant transcripts (Ekong R et al. Hum. Mutat., 2016 Apr;37:364-70). Based on the available evidence, the clinical significance of this variant remains unclear.

NM_000548.5(TSC2):c.2865dup (p.Gly956fs)

Gene: TSC2 (TSC complex subunit 2; plus strand). Cytogenetic location: 16p13.3.
Variant type: Duplication.
Coding change: c.2865dup on transcript NM_000548.5 (MANE Select); coding-DNA position 2865, one base duplicated (A; older notation c.2865dupA).
Protein change: p.Gly956fs; shifts the reading frame from glycine 956.
Molecular consequence: frameshift variant. On other transcripts: intron variant (31).
Genome position (GRCh38, 1-based): chr16:2,077,625, A duplicated; the last of 2 consecutive A bases (chr16:2,077,624-2,077,625); duplicating either gives the same sequence. VCF-style (leftmost placement, unchanged base first): chr16-2077623-C-CA. GRCh37 (hg19) VCF-style: chr16-2127624-C-CA.
Other names: c.2865dup, p.Gly956fs (NM_001114382.3, NM_001406663.1, NM_001406664.1); c.2754dup, p.Gly919fs (NM_001406670.1); c.2718dup, p.Gly907fs (NM_001406675.1, NM_001406676.1); c.2265dup, p.Gly756fs (NM_001406680.1, NM_001406682.1, NM_001406683.1 and 1 more transcripts); c.1521dup, p.Gly508fs (NM_001406689.1); c.1493+1040dup (NM_001406693.1, NM_001406690.1, NM_001406692.1 and 5 more transcripts); c.2927+1040dup (NM_001406667.1, NM_001406668.1); c.2237+1040dup (NM_001406687.1, NM_001406685.1, NM_001318831.2 and 2 more transcripts); and 9 more; short protein forms G756fs, G919fs, G956fs, G907fs, G508fs.
Identifiers: ClinVar variation 3462659 (VCV003462659.1).